The following is an entry in ClinVar:

NM_005245.4(FAT1):c.2924A>T (p.Asp975Val)

Gene: FAT1 (FAT atypical cadherin 1; minus strand). Cytogenetic location: 4q35.2.
Variant type: single nucleotide variant.
Coding change: c.2924A>T on transcript NM_005245.4 (MANE Select); coding-DNA position 2924, A replaced by T.
Protein change: p.Asp975Val; replaces aspartic acid 975 with valine.
Molecular consequence: missense variant.
Genome position (GRCh38, 1-based): chr4:186,706,904, T>A on the plus strand (A>T on the coding strand, the complement: FAT1 is on the minus strand). VCF-style: chr4-186706904-T-A. GRCh37 (hg19) VCF-style: chr4-187628058-T-A.
Other names: short protein forms D975V.
Identifiers: ClinVar variation 2039782 (VCV002039782.4), dbSNP rs747617288, ClinGen allele CA3167143.

ClinVar aggregate classification (germline): Uncertain significance (1 of 4 stars; one submission).

Allele frequency attached by ClinVar (database versions not stated): gnomAD exomes 0.00001; ExAC 0.00001; gnomAD 0.00001; TOPMed 0.00001.
gnomAD v4.1: 7 of 1,613,914 alleles (0.00043%); highest among the groups gnomAD compares: Admixed American, 0.012%; no homozygotes.

Submission:

Labcorp Genetics (formerly Invitae), Labcorp
Classification: Uncertain significance. Last evaluated: 2022-02-11. Review status: criteria provided, single submitter. Criteria: Invitae Variant Classification Sherloc (09022015). Collection method: clinical testing. Allele origin: germline.
Comment: In summary, the available evidence is currently insufficient to determine the role of this variant in disease. Therefore, it has been classified as a Variant of Uncertain Significance. Algorithms developed to predict the effect of missense changes on protein structure and function (SIFT, PolyPhen-2, Align-GVGD) all suggest that this variant is likely to be disruptive. This variant has not been reported in the literature in individuals affected with FAT1-related conditions. This variant is present in population databases (rs747617288, gnomAD 0.02%). This sequence change replaces aspartic acid, which is acidic and polar, with valine, which is neutral and non-polar, at codon 975 of the FAT1 protein (p.Asp975Val).